The following is an entry in ClinVar:

NM_003002.4(SDHD):c.41T>C (p.Leu14Pro)

Genes: SDHD (succinate dehydrogenase complex subunit D; plus strand), LOC126861339 (BRD4-independent group 4 enhancer GRCh37_chr11:111957035-111958234; plus strand). Cytogenetic location: 11q23.1.
Variant type: single nucleotide variant.
Coding change: c.41T>C on transcript NM_003002.4 (MANE Select); coding-DNA position 41, T replaced by C.
Protein change: p.Leu14Pro; replaces leucine 14 with proline.
Molecular consequence: missense variant. On other transcripts: non-coding transcript variant (1).
Genome position (GRCh38, 1-based): chr11:112,086,948, T>C. VCF-style: chr11-112086948-T-C. GRCh37 (hg19) VCF-style: chr11-111957672-T-C.
Other names: c.41T>C, p.Leu14Pro (NM_001276503.2, NM_001276504.2, NM_001276506.2); short protein forms L14P.
Identifiers: ClinVar variation 3316914 (VCV003316914.1).

ClinVar aggregate classification (germline): Uncertain significance (1 of 4 stars; one submission).

Conditions:
Hereditary cancer-predisposing syndrome. Also called: Neoplastic Syndromes, Hereditary; Tumor predisposition; Hereditary neoplastic syndrome; Hereditary Cancer Syndrome. Identifiers: Orphanet 140162, MedGen C0027672, MeSH D009386, MONDO:0015356.

Submission:

Ambry Genetics
Classification: Uncertain significance for Hereditary cancer-predisposing syndrome. Last evaluated: 2024-03-23. Review status: criteria provided, single submitter. Criteria: Ambry Variant Classification Scheme 2023. Collection method: clinical testing. Allele origin: germline.
Comment: The p.L14P variant (also known as c.41T>C), located in coding exon 1 of the SDHD gene, results from a T to C substitution at nucleotide position 41. The leucine at codon 14 is replaced by proline, an amino acid with similar properties. This amino acid position is conserved. In addition, the in silico prediction for this alteration is inconclusive. Based on the available evidence, the clinical significance of this alteration remains unclear.